The following is an entry in ClinVar:

ClinVar aggregate classification (germline): Uncertain significance (1 of 4 stars; one submission).

Conditions:
CSMD1-related disorder. Also called: CSMD1-related condition.

gnomAD v4.1: 1 of 1,613,140 alleles (0.000062%); highest among the groups gnomAD compares: African/African-American, 0.0013%; no homozygotes.

Submission:

PreventionGenetics, part of Exact Sciences
Classification: Uncertain significance for CSMD1-related condition. Last evaluated: 2026-05-15. Review status: criteria provided, single submitter. Criteria: ACMG Guidelines, 2015. Collection method: clinical testing. Allele origin: germline.
Comment: The CSMD1 c.6466A>C variant is predicted to result in the amino acid substitution p.Thr2156Pro. To our knowledge, this variant has not been reported in the literature. This variant is reported in 0.0065% of alleles in individuals of African descent in gnomAD. At this time, the clinical significance of this variant is uncertain due to the absence of conclusive functional and genetic evidence.

NM_033225.6(CSMD1):c.6466A>C (p.Thr2156Pro)

Gene: CSMD1 (CUB and Sushi multiple domains 1; minus strand). Cytogenetic location: 8p23.2.
Variant type: single nucleotide variant.
Coding change: c.6466A>C on transcript NM_033225.6 (MANE Select); coding-DNA position 6466, A replaced by C.
Protein change: p.Thr2156Pro; replaces threonine 2156 with proline.
Molecular consequence: missense variant.
Genome position (GRCh38, 1-based): chr8:3,110,300, T>G on the plus strand (A>C on the coding strand, the complement: CSMD1 is on the minus strand). VCF-style: chr8-3110300-T-G. GRCh37 (hg19) VCF-style: chr8-2967822-T-G.
Other names: short protein forms T2156P.
Identifiers: ClinVar variation 4992324 (VCV004992324.1).